The following is an entry in ClinVar:

NM_006946.4(SPTBN2):c.2807T>C (p.Leu936Pro)

Gene: SPTBN2 (spectrin beta, non-erythrocytic 2; minus strand). Cytogenetic location: 11q13.2.
Variant type: single nucleotide variant.
Coding change: c.2807T>C on transcript NM_006946.4 (MANE Select); coding-DNA position 2807, T replaced by C.
Protein change: p.Leu936Pro; replaces leucine 936 with proline.
Molecular consequence: missense variant.
Genome position (GRCh38, 1-based): chr11:66,701,593, A>G on the plus strand (T>C on the coding strand, the complement: SPTBN2 is on the minus strand). VCF-style: chr11-66701593-A-G. GRCh37 (hg19) VCF-style: chr11-66469064-A-G.
Other names: short protein forms L936P.
Identifiers: ClinVar variation 1256175 (VCV001256175.2), dbSNP rs2135418994, ClinGen allele CA381476738.
Genomic context (GRCh38, chr11:66,701,593, plus strand): 5'-CCATTGCTTCATTTTTCTGTCAGTTTCCTGGTCCTGCCCTCCCAAACCCACCTGTGGTTG[A>G]GCTGCTCCTGGGTGTTGACAATGCGGTCTTTGCCTGGGGGGTTGGCCTTCAGTAACTGCT-3'
Protein context (NP_008877.2, residues 926-946): KDRIVNTQEQ[Leu936Pro]NHRWQQFRRL

ClinVar aggregate classification (germline): Conflicting classifications of pathogenicity. Review status: criteria provided, conflicting classifications (1 of 4 stars). 2 submissions from 2 submitters: Likely pathogenic (1); Uncertain significance (1). Last evaluated 2024-10-16.

Conditions:
Inborn genetic diseases. Identifiers: MedGen C0950123, MeSH D030342.

Submissions (2):

Ambry Genetics
Classification: Likely pathogenic for Inborn genetic diseases. Last evaluated: 2024-10-16. Review status: criteria provided, single submitter. Criteria: Ambry Variant Classification Scheme 2023. Collection method: clinical testing. Allele origin: germline.
Comment: The c.2807T>C (p.L936P) alteration is located in exon 15 (coding exon 14) of the SPTBN2 gene. This alteration results from a T to C substitution at nucleotide position 2807, causing the leucine (L) at amino acid position 936 to be replaced by a proline (P). for autosomal dominant SPTBN2-related spinocerebellar ataxia; however, its clinical significance for autosomal recessive SPTBN2-related spinocerebellar ataxia is uncertain. This variant was not reported in population-based cohorts in the Genome Aggregation Database (gnomAD). This amino acid position is highly conserved in available vertebrate species. This alteration is predicted to be deleterious by in silico analysis. Based on the available evidence, this alteration is classified as likely pathogenic.

Athena Diagnostics
Classification: Uncertain significance. Last evaluated: 2021-05-11. Review status: criteria provided, single submitter. Criteria: Athena Diagnostics criteria. Collection method: clinical testing. Allele origin: unknown.